The following is an entry in ClinVar:

NM_000059.4(BRCA2):c.4919A>G (p.His1640Arg)

Gene: BRCA2 (BRCA2 DNA repair associated; plus strand). Cytogenetic location: 13q13.1.
Variant type: single nucleotide variant.
Coding change: c.4919A>G on transcript NM_000059.4 (MANE Select); coding-DNA position 4919, A replaced by G.
Protein change: p.His1640Arg; replaces histidine 1640 with arginine.
Molecular consequence: missense variant.
Genome position (GRCh38, 1-based): chr13:32,339,274, A>G. VCF-style: chr13-32339274-A-G. GRCh37 (hg19) VCF-style: chr13-32913411-A-G.
Other names: short protein forms H1640R.
Identifiers: ClinVar variation 491287 (VCV000491287.18), dbSNP rs373483754, ClinGen allele CA247508683.

ClinVar aggregate classification (germline): Conflicting classifications of pathogenicity. Review status: criteria provided, conflicting classifications (1 of 4 stars). 5 submissions from 5 submitters: Uncertain significance (4); Likely benign (1). Last evaluated 2025-12-06.

Conditions:
Hereditary breast ovarian cancer syndrome. Also called: Hereditary breast and/or ovarian cancer syndrome; BRCA1- and BRCA2-Associated Hereditary Breast and Ovarian Cancer; Breast and ovarian cancer; Hereditary breast and ovarian cancer; Hereditary breast and ovarian cancer syndrome; Hereditary breast and ovarian cancer syndrome (HBOC). Identifiers: Orphanet 145, MedGen C0677776, MeSH D061325, MONDO:0003582. Disease mechanism: loss of function.
Hereditary cancer-predisposing syndrome. Also called: Hereditary neoplastic syndrome; Tumor predisposition; Hereditary Cancer Syndrome; Neoplastic Syndromes, Hereditary. Identifiers: Orphanet 140162, MedGen C0027672, MeSH D009386, MONDO:0015356.

Allele frequency attached by ClinVar (database versions not stated): gnomAD exomes below 0.00001.
gnomAD v4.1: 3 of 1,609,418 alleles (0.00019%); no homozygotes.

Submissions (5):

Labcorp Genetics (formerly Invitae), Labcorp
Classification: Uncertain significance for Hereditary breast ovarian cancer syndrome. Last evaluated: 2025-12-06. Review status: criteria provided, single submitter. Criteria: Invitae Variant Classification Sherloc (09022015). Collection method: clinical testing. Allele origin: germline.
Comment: This sequence change replaces histidine, which is basic and polar, with arginine, which is basic and polar, at codon 1640 of the BRCA2 protein (p.His1640Arg). This variant is present in population databases (rs373483754, gnomAD no frequency). This missense change has been observed in individual(s) with ovarian cancer (PMID: 35263119). ClinVar contains an entry for this variant (Variation ID: 491287). Invitae Evidence Modeling of protein sequence and biophysical properties (such as structural, functional, and spatial information, amino acid conservation, physicochemical variation, residue mobility, and thermodynamic stability) indicates that this missense variant is not expected to disrupt BRCA2 protein function with a negative predictive value of 95%. In summary, the available evidence is currently insufficient to determine the role of this variant in disease. Therefore, it has been classified as a Variant of Uncertain Significance.

Color Diagnostics, LLC DBA Color Health
Classification: Uncertain significance for Hereditary cancer-predisposing syndrome. Last evaluated: 2024-07-08. Review status: criteria provided, single submitter. Criteria: ACMG Guidelines, 2015. Collection method: clinical testing. Allele origin: germline.
Comment: This missense variant replaces histidine with arginine at codon 1640 of the BRCA2 protein. Computational prediction suggests that this variant may not impact protein structure and function. To our knowledge, functional studies have not been reported for this variant. This variant has been reported in a breast cancer case-control meta-analysis in 1/60466 cases and 2/53461 unaffected controls (PMID: 33471991; Leiden Open Variation Database DB-ID BRCA2_001059). This variant has been identified in 1/246440 chromosomes in the general population by the Genome Aggregation Database (gnomAD). The available evidence is insufficient to determine the role of this variant in disease conclusively. Therefore, this variant is classified as a Variant of Uncertain Significance.

Women's Health and Genetics/Laboratory Corporation of America, LabCorp
Classification: Uncertain significance. Last evaluated: 2024-04-04. Review status: criteria provided, single submitter. Criteria: LabCorp Variant Classification Summary - May 2015. Collection method: clinical testing. Allele origin: germline.
Comment: Variant summary: BRCA2 c.4919A>G (p.His1640Arg) results in a non-conservative amino acid change in the encoded protein sequence. Four of five in-silico tools predict a benign effect of the variant on protein function. The variant allele was found at a frequency of 4.1e-06 in 246440 control chromosomes. The available data on variant occurrences in the general population are insufficient to allow any conclusion about variant significance. c.4919A>G has been reported in the literature without strong evidence for causality (Delahunty_2022). This report does not provide unequivocal conclusions about association of the variant with Hereditary Breast And Ovarian Cancer Syndrome. To our knowledge, no experimental evidence demonstrating an impact on protein function has been reported. ClinVar contains an entry for this variant (Variation ID: 491287). Based on the evidence outlined above, the variant was classified as uncertain significance.

Ambry Genetics
Classification: Uncertain significance for Hereditary cancer-predisposing syndrome. Last evaluated: 2023-08-20. Review status: criteria provided, single submitter. Criteria: Ambry Variant Classification Scheme 2023. Collection method: clinical testing. Allele origin: germline.

University of Washington Department of Laboratory Medicine, University of Washington
Classification: Likely benign for Hereditary cancer-predisposing syndrome. Last evaluated: 2023-03-23. Review status: criteria provided, single submitter. Criteria: Dines et al. (Genet Med. 2020). Collection method: curation. Allele origin: germline.
Comment: Missense variant in a coldspot region where missense variants are very unlikely to be pathogenic (PMID:31911673).

BRCA2 exon 11 coldspot. Reclassification based on statistical prior probability.

Literature cited by the submitters: PubMed 35263119 (cited by Labcorp Genetics (formerly Invitae), Labcorp and Women's Health and Genetics/Laboratory Corporation of America, LabCorp); PubMed 33471991 (cited by Color Diagnostics, LLC DBA Color Health).